The following is an entry in ClinVar:

NM_001278716.2(FBXL4):c.1247C>T (p.Pro416Leu)

Gene: FBXL4 (F-box and leucine rich repeat protein 4; minus strand). Cytogenetic location: 6q16.1.
Variant type: single nucleotide variant.
Coding change: c.1247C>T on transcript NM_001278716.2 (MANE Select); coding-DNA position 1247, C replaced by T.
Protein change: p.Pro416Leu; replaces proline 416 with leucine.
Molecular consequence: missense variant. On other transcripts: non-coding transcript variant (2).
Genome position (GRCh38, 1-based): chr6:98,899,338, G>A on the plus strand (C>T on the coding strand, the complement: FBXL4 is on the minus strand). VCF-style: chr6-98899338-G-A. GRCh37 (hg19) VCF-style: chr6-99347214-G-A.
Other names: c.1247C>T, p.Pro416Leu (NM_012160.5); short protein forms P416L.
Identifiers: ClinVar variation 437718 (VCV000437718.1), dbSNP rs749048612, ClinGen allele CA3933497.

ClinVar aggregate classification (germline): Uncertain significance (1 of 4 stars; one submission).

Conditions:
Mitochondrial DNA depletion syndrome 13. Also called: FBXL4-Related Encephalomyopathic Mitochondrial DNA Depletion Syndrome; Mitochondrial DNA depletion syndrome 13 (encephalomyopathic type). Identifiers: Orphanet 369897, MedGen C3809592, MONDO:0014198, OMIM 615471.

Allele frequency attached by ClinVar (database versions not stated): gnomAD exomes below 0.00001; ExAC 0.00001.

Submission:

Wong Mito Lab, Molecular and Human Genetics, Baylor College of Medicine
Classification: Uncertain significance for Mitochondrial DNA depletion syndrome 13. Last evaluated: 2017-08-10. Review status: criteria provided, single submitter. Criteria: ACMG Guidelines, 2015. Collection method: reference population. Allele origin: germline.
Comment: The NM_012160.4:c.1247C>T (NP_036292.2:p.Pro416Leu) [GRCH38: NC_000006.12:g.98899338G>A] variant in FBXL4 gene is interpretated to be a Uncertain Significance - Insufficient Evidence based on ACMG guidelines (PMID: 25741868). This variant meets one or more of the following evidence codes reported in the ACMG-guideline. PM2:This variant is absent in key population databases. Based on this evidence code ClinGen Pathogenicity Calculator (PMID:28081714) suggested that the variant is Uncertain Significance - Insufficient Evidence.